The following is an entry in ClinVar:

NM_001378414.1(HDAC4):c.521del (p.Lys174fs)

Gene: HDAC4 (histone deacetylase 4; minus strand). Cytogenetic location: 2q37.3.
Variant type: Deletion.
Coding change: c.521del on transcript NM_001378414.1 (MANE Select); coding-DNA position 521, one base deleted (A; older notation c.521delA).
Protein change: p.Lys174fs; shifts the reading frame from lysine 174.
Molecular consequence: frameshift variant.
Genome position (GRCh38, 1-based): chr2:239,163,893, T deleted on the plus strand (A on the coding strand, the reverse complement: HDAC4 is on the minus strand); the first of 2 consecutive T bases (chr2:239,163,893-239,163,894); deleting either gives the same sequence. VCF-style (leftmost placement, unchanged base first): chr2-239163892-CT-C. GRCh37 (hg19) VCF-style: chr2-240085588-CT-C.
Other names: c.521del, p.Lys174fs (NM_001378415.1, NM_001378416.1, NM_001378417.1 and 1 more transcripts); short protein forms K174fs.
Identifiers: ClinVar variation 3236092 (VCV003236092.1), dbSNP rs2472884321, ClinGen allele CA2825001103.

ClinVar aggregate classification (germline): Uncertain significance (1 of 4 stars; one submission).

Conditions:
Neurodevelopmental disorder with central hypotonia and dysmorphic facies (NEDCHF). Identifiers: MedGen C5676944, MONDO:0859232, OMIM 619797.

Submission:

MVZ Medizinische Genetik Mainz
Classification: Uncertain significance for Neurodevelopmental disorder with central hypotonia and dysmorphic facies. Last evaluated: 2023-10-11. Review status: criteria provided, single submitter. Criteria: UK Practice Guidelines For Variant Classification V4 01 2020. Collection method: clinical testing. Allele origin: germline. Inheritance: Autosomal dominant inheritance. Affected: yes. Observed: 1 variant allele.
Comment: ACMG Criteria: PVS1_MOD,PM2_SUP